The following is an entry in ClinVar:

ClinVar aggregate classification (germline): Uncertain significance (1 of 4 stars; one submission).

Conditions:
Ehlers-Danlos syndrome, classic type, 1 (EDSCL1). Also called: EHLERS-DANLOS SYNDROME, GRAVIS TYPE; EHLERS-DANLOS SYNDROME, SEVERE CLASSIC TYPE; Ehlers-Danlos syndrome, type 1; Ehlers-Danlos Syndrome, Classic Type, COL5A1-Related; EDS I. Identifiers: MedGen C0268335, MONDO:0019567, OMIM 130000.

gnomAD v4.1: 1 of 1,612,454 alleles (0.000062%); highest among the groups gnomAD compares: Non-Finnish European, 0.000085%; no homozygotes.

Submission:

Labcorp Genetics (formerly Invitae), Labcorp
Classification: Uncertain significance for Ehlers-Danlos syndrome, classic type, 1. Last evaluated: 2021-10-03. Review status: criteria provided, single submitter. Criteria: Invitae Variant Classification Sherloc (09022015). Collection method: clinical testing. Allele origin: germline.
Comment: This variant is not present in population databases (ExAC no frequency). In summary, the available evidence is currently insufficient to determine the role of this variant in disease. Therefore, it has been classified as a Variant of Uncertain Significance. Advanced modeling of protein sequence and biophysical properties (such as structural, functional, and spatial information, amino acid conservation, physicochemical variation, residue mobility, and thermodynamic stability) performed at Invitae indicates that this missense variant is not expected to disrupt COL5A2 protein function. This variant has not been reported in the literature in individuals affected with COL5A2-related conditions. This sequence change replaces glutamine with lysine at codon 1317 of the COL5A2 protein (p.Gln1317Lys). The glutamine residue is highly conserved and there is a small physicochemical difference between glutamine and lysine.

NM_000393.5(COL5A2):c.3949C>A (p.Gln1317Lys)

Gene: COL5A2 (collagen type V alpha 2 chain; minus strand). Cytogenetic location: 2q32.2.
Variant type: single nucleotide variant.
Coding change: c.3949C>A on transcript NM_000393.5 (MANE Select); coding-DNA position 3949, C replaced by A.
Protein change: p.Gln1317Lys; replaces glutamine 1317 with lysine.
Molecular consequence: missense variant.
Genome position (GRCh38, 1-based): chr2:189,036,780, G>T on the plus strand (C>A on the coding strand, the complement: COL5A2 is on the minus strand). VCF-style: chr2-189036780-G-T. GRCh37 (hg19) VCF-style: chr2-189901506-G-T.
Other names: short protein forms Q1317K.
Identifiers: ClinVar variation 1494047 (VCV001494047.6), dbSNP rs2153506166, ClinGen allele CA349856199.